The following is an entry in ClinVar:

ClinVar aggregate classification (germline): Likely pathogenic (1 of 4 stars; one submission).

Conditions:
Refsum disease, classic. Also called: HEREDOPATHIA ATACTICA POLYNEURITIFORMIS; HMSN IV; PHYTANIC ACID OXIDASE DEFICIENCY; PHYH-Related Refsum Disease. Identifiers: Orphanet 773, MedGen C5780941, MONDO:1060256, OMIM 266500. Disease mechanism: loss of function.

Submissions (2):

Myriad Genetics, Inc.
Classification: Likely pathogenic for Refsum disease, classic. Last evaluated: 2025-08-13. Review status: criteria provided, single submitter. Criteria: Myriad Autosomal Dominant, Autosomal Recessive and X-Linked Classification Criteria (2023). Collection method: clinical testing. Allele origin: unknown.
Comment: NM_006214.3(PHYH):c.414+1G>A is a variant in a canonical splice site classified as likely pathogenic in the context of Refsum disease, PHYH-related. c.414+1G>A has not been observed in cases with relevant disease . Relevant functional assessments of this variant are not available in the literature. c.414+1G>A has not been observed in referenced population frequency databases. In summary, NM_006214.3(PHYH):c.414+1G>A is a variant in a canonical splice site in a gene where loss of function is a known mechanism of disease and is predicted to disrupt protein function. Please note: this variant was assessed in the context of healthy population screening.

Dr. Peter K. Rogan Lab, Western University
No classification provided (evidence only). Condition: Familial prostate cancer. Review status: no classification provided. Collection method: in vitro. Allele origin: not applicable. Functional consequence: skipped exon, retained intron. Not counted in ClinVar's aggregate classification.

NM_006214.4(PHYH):c.414+1G>A

Gene: PHYH (phytanoyl-CoA 2-hydroxylase; minus strand). Cytogenetic location: 10p13.
Variant type: single nucleotide variant.
Coding change: c.414+1G>A on transcript NM_006214.4 (MANE Select); the canonical splice donor site of the intron after coding-DNA position 414, G replaced by A.
Molecular consequence: splice donor variant.
Genome position (GRCh38, 1-based): chr10:13,294,427, C>T on the plus strand (G>A on the coding strand, the complement: PHYH is on the minus strand). VCF-style: chr10-13294427-C-T. GRCh37 (hg19) VCF-style: chr10-13336427-C-T.
Other names: NC_000010.10:g.13336427C>T; c.414+1G>A (NM_001323083.2, NM_001323082.2); c.114+1G>A (NM_001037537.2, NM_001323084.2, NM_001323080.2).
Identifiers: ClinVar variation 4361335 (VCV004361335.2).